The following is an entry in ClinVar:

NM_001128148.3(TFRC):c.653G>T (p.Gly218Val)

Gene: TFRC (transferrin receptor; minus strand). Cytogenetic location: 3q29.
Variant type: single nucleotide variant.
Coding change: c.653G>T on transcript NM_001128148.3 (MANE Select); coding-DNA position 653, G replaced by T.
Protein change: p.Gly218Val; replaces glycine 218 with valine.
Molecular consequence: missense variant. On other transcripts: 5 prime UTR variant (1).
Genome position (GRCh38, 1-based): chr3:196,071,430, C>A on the plus strand (G>T on the coding strand, the complement: TFRC is on the minus strand). VCF-style: chr3-196071430-C-A. GRCh37 (hg19) VCF-style: chr3-195798301-C-A.
Other names: c.410G>T, p.Gly137Val (NM_001313965.2); c.-194G>T (NM_001313966.2); c.653G>T, p.Gly218Val (NM_003234.4); short protein forms G137V, G218V.
Identifiers: ClinVar variation 2800826 (VCV002800826.3), dbSNP rs1240680353, ClinGen allele CA355575055.

ClinVar aggregate classification (germline): Uncertain significance (1 of 4 stars; one submission).

Allele frequency attached by ClinVar (database versions not stated): gnomAD exomes below 0.00001; TOPMed below 0.00001.
gnomAD v4.1: 1 of 1,613,994 alleles (0.000062%); highest among the groups gnomAD compares: Non-Finnish European, 0.000085%; no homozygotes.

Submission:

Labcorp Genetics (formerly Invitae), Labcorp
Classification: Uncertain significance. Last evaluated: 2025-01-13. Review status: criteria provided, single submitter. Criteria: Invitae Variant Classification Sherloc (09022015). Collection method: clinical testing. Allele origin: germline.
Comment: This sequence change replaces glycine, which is neutral and non-polar, with valine, which is neutral and non-polar, at codon 218 of the TFRC protein (p.Gly218Val). This variant is present in population databases (no rsID available, gnomAD 0.0009%). This variant has not been reported in the literature in individuals affected with TFRC-related conditions. ClinVar contains an entry for this variant (Variation ID: 2800826). Invitae Evidence Modeling of protein sequence and biophysical properties (such as structural, functional, and spatial information, amino acid conservation, physicochemical variation, residue mobility, and thermodynamic stability) indicates that this missense variant is not expected to disrupt TFRC protein function with a negative predictive value of 80%. In summary, the available evidence is currently insufficient to determine the role of this variant in disease. Therefore, it has been classified as a Variant of Uncertain Significance.